The following is an entry in ClinVar:

NM_002386.4(MC1R):c.74G>T (p.Gly25Val)

Gene: MC1R (melanocortin 1 receptor; plus strand). Cytogenetic location: 16q24.3.
Variant type: single nucleotide variant.
Coding change: c.74G>T on transcript NM_002386.4 (MANE Select); coding-DNA position 74, G replaced by T.
Protein change: p.Gly25Val; replaces glycine 25 with valine.
Molecular consequence: missense variant.
Genome position (GRCh38, 1-based): chr16:89,919,332, G>T. VCF-style: chr16-89919332-G-T. GRCh37 (hg19) VCF-style: chr16-89985740-G-T.
Other names: short protein forms G25V.
Identifiers: ClinVar variation 4859673 (VCV004859673.1).

ClinVar aggregate classification (germline): Uncertain significance (1 of 4 stars; one submission).

Submission:

Ambry Genetics
Classification: Uncertain significance. Last evaluated: 2026-05-22. Review status: criteria provided, single submitter. Criteria: Ambry Variant Classification Scheme 2023. Collection method: clinical testing. Allele origin: germline.
Comment: The p.G25V variant (also known as c.74G>T), located in coding exon 1 of the MC1R gene, results from a G to T substitution at nucleotide position 74. The glycine at codon 25 is replaced by valine, an amino acid with dissimilar properties. This amino acid position is conserved. In addition, this alteration is predicted to be tolerated by in silico analysis. Based on the available evidence, the clinical significance of this variant remains unclear.